The following is an entry in ClinVar:

ClinVar aggregate classification (germline): Uncertain significance (1 of 4 stars; one submission).

Conditions:
GLUT1 deficiency syndrome 1, autosomal recessive. Identifiers: MedGen C3149117.

Allele frequency attached by ClinVar (database versions not stated): gnomAD exomes below 0.00001.
gnomAD v4.1: 1 of 1,614,024 alleles (0.000062%); highest among the groups gnomAD compares: Non-Finnish European, 0.000085%; no homozygotes.

Submission:

Labcorp Genetics (formerly Invitae), Labcorp
Classification: Uncertain significance for GLUT1 deficiency syndrome 1, autosomal recessive. Last evaluated: 2024-01-19. Review status: criteria provided, single submitter. Criteria: Invitae Variant Classification Sherloc (09022015). Collection method: clinical testing. Allele origin: germline.
Comment: This sequence change replaces serine, which is neutral and polar, with alanine, which is neutral and non-polar, at codon 178 of the SLC2A1 protein (p.Ser178Ala). This variant is not present in population databases (gnomAD no frequency). This variant has not been reported in the literature in individuals affected with SLC2A1-related conditions. ClinVar contains an entry for this variant (Variation ID: 658534). Advanced modeling of protein sequence and biophysical properties (such as structural, functional, and spatial information, amino acid conservation, physicochemical variation, residue mobility, and thermodynamic stability) performed at Invitae indicates that this missense variant is not expected to disrupt SLC2A1 protein function with a negative predictive value of 95%. In summary, the available evidence is currently insufficient to determine the role of this variant in disease. Therefore, it has been classified as a Variant of Uncertain Significance.

NM_006516.4(SLC2A1):c.532T>G (p.Ser178Ala)

Gene: SLC2A1 (solute carrier family 2 member 1; minus strand). Cytogenetic location: 1p34.2.
Variant type: single nucleotide variant.
Coding change: c.532T>G on transcript NM_006516.4 (MANE Select); coding-DNA position 532, T replaced by G.
Protein change: p.Ser178Ala; replaces serine 178 with alanine.
Molecular consequence: missense variant.
Genome position (GRCh38, 1-based): chr1:42,930,020, A>C on the plus strand (T>G on the coding strand, the complement: SLC2A1 is on the minus strand). VCF-style: chr1-42930020-A-C. GRCh37 (hg19) VCF-style: chr1-43395691-A-C.
Other names: short protein forms S178A.
Identifiers: ClinVar variation 658534 (VCV000658534.7), dbSNP rs1570592960, ClinGen allele CA339958866.